The following is an entry in ClinVar:

ClinVar aggregate classification (germline): Conflicting classifications of pathogenicity. Review status: criteria provided, conflicting classifications (1 of 4 stars). 8 submissions from 8 submitters: Likely pathogenic (1); Uncertain significance (4); Likely benign (1). 2 of the submissions do not count toward it. Last evaluated 2026-01-16.

Conditions:
SLC25A13-related disorder. Also called: SLC25A13-related condition.
Citrullinemia, type II, adult-onset (CDAA). Also called: CITRIN DEFICIENCY, ADOLESCENT OR ADULT ONSET. Identifiers: Orphanet 247585, MedGen CN295299, MONDO:0011326, OMIM 603471.
Citrin deficiency. Identifiers: Orphanet 247582, MedGen C1997910, MONDO:0016602.
Neonatal intrahepatic cholestasis due to citrin deficiency (CDNI). Also called: Neonatal Intrahepatic Cholestasis Caused by Citrin Deficiency (NICCD); Neonatal-onset citrullinemia type II; Neonatal-onset citrullinemia type 2; CITRIN DEFICIENCY, NEONATAL OR INFANTILE ONSET. Identifiers: Orphanet 247598, MedGen C1853942, MONDO:0011601, OMIM 605814.
Citrullinemia type II. Also called: Citrullinemia Type II (CTLN2). Identifiers: Orphanet 247585, MedGen C1863844, MONDO:0016603.

Allele frequency attached by ClinVar (database versions not stated): gnomAD 0.00003; gnomAD exomes 0.00006 and 0.00018; ExAC 0.00008; TOPMed 0.00014; ESP Exome Variant Server 0.00023.
gnomAD v4.1: 129 of 1,613,930 alleles (0.008%); highest among the groups gnomAD compares: East Asian, 0.022%; 1 homozygote.

Submissions (8):

Labcorp Genetics (formerly Invitae), Labcorp
Classification: Likely benign for Citrin deficiency. Last evaluated: 2026-01-16. Review status: criteria provided, single submitter. Criteria: Invitae Variant Classification Sherloc (09022015). Collection method: clinical testing. Allele origin: germline.

Revvity Omics, Revvity
Classification: Uncertain significance. Last evaluated: 2025-01-23. Review status: criteria provided, single submitter. Criteria: ACMG Guidelines, 2015. Collection method: clinical testing. Allele origin: germline.

Baylor Genetics
Classification: Likely pathogenic for Citrullinemia, type II, adult-onset. Last evaluated: 2024-03-28. Review status: criteria provided, single submitter. Criteria: ACMG Guidelines, 2015. Collection method: clinical testing. Allele origin: unknown.

Blueprint Genetics
Classification: Uncertain significance. Last evaluated: 2022-07-14. Review status: criteria provided, single submitter. Criteria: ACMG Guidelines, 2015. Collection method: clinical testing. Allele origin: germline.

Illumina Laboratory Services, Illumina
Classification: Uncertain significance for Citrullinemia, type II, adult-onset. Last evaluated: 2017-04-28. Review status: criteria provided, single submitter. Criteria: ICSL Variant Classification Criteria 13 December 2019. Collection method: clinical testing. Allele origin: germline.
Comment: This variant was observed as part of a predisposition screen in an ostensibly healthy population. A literature search was performed for the gene, cDNA change, and amino acid change (where applicable). Publications were found based on this search. However, the evidence from the literature, in combination with allele frequency data from public databases where available, was not sufficient to rule this variant in or out of causing disease. Therefore, this variant is classified as a variant of unknown significance.

Eurofins Ntd Llc (ga)
Classification: Uncertain significance. Last evaluated: 2016-12-07. Review status: criteria provided, single submitter. Criteria: EGL Classification Definitions 2015. Collection method: clinical testing. Allele origin: germline. Observed: 2 variant alleles, 2 heterozygotes.

PreventionGenetics, part of Exact Sciences
Classification: Uncertain significance for SLC25A13-related condition. Last evaluated: 2024-01-26. Review status: no assertion criteria provided. Collection method: clinical testing. Allele origin: germline. Not counted in ClinVar's aggregate classification.
Comment: The SLC25A13 c.1505C>T variant is predicted to result in the amino acid substitution p.Pro502Leu. This variant has been reported in a patient with questionable diagnosis of neonatal intrahepatic cholestasis and was shown in functional studies to be fully functional (Wongkittichote et al. 2013. PubMed ID: 21507300; Wen et al. 2011. PubMed ID: 23053473). This variant is reported in 0.17% to 0.20% of alleles, including one homozygous, in individuals of Ashkenazi Jewish descent in gnomAD datasets. Although we suspect that this variant may be benign, the clinical significance of this variant is classified as uncertain at this time due to insufficient functional and genetic evidence.

Shenzhen Institute of Pediatrics, Shenzhen Children's Hospital
Classification: Likely pathogenic for Neonatal intrahepatic cholestasis due to citrin deficiency. Last evaluated: 2009-07-31. Review status: no assertion criteria provided. Collection method: clinical testing. Allele origin: unknown. Affected: yes. Not counted in ClinVar's aggregate classification.

Literature cited by the submitters: PubMed 24069319 (cited by Illumina Laboratory Services, Illumina); PubMed 21507300 (cited by Illumina Laboratory Services, Illumina and Shenzhen Institute of Pediatrics, Shenzhen Children's Hospital); PubMed 23053473 (cited by Illumina Laboratory Services, Illumina).

NM_014251.3(SLC25A13):c.1505C>T (p.Pro502Leu)

Gene: SLC25A13 (solute carrier family 25 member 13; minus strand). Cytogenetic location: 7q21.3.
Variant type: single nucleotide variant.
Coding change: c.1505C>T on transcript NM_014251.3 (MANE Select); coding-DNA position 1505, C replaced by T.
Protein change: p.Pro502Leu; replaces proline 502 with leucine.
Molecular consequence: missense variant. On other transcripts: non-coding transcript variant (1).
Genome position (GRCh38, 1-based): chr7:96,131,829, G>A on the plus strand (C>T on the coding strand, the complement: SLC25A13 is on the minus strand). VCF-style: chr7-96131829-G-A. GRCh37 (hg19) VCF-style: chr7-95761141-G-A.
Other names: c.1508C>T, p.Pro503Leu (NM_001160210.2); short protein forms P502L, P503L.
Identifiers: ClinVar variation 252921 (VCV000252921.23), dbSNP rs139149160, ClinGen allele CA4352889.